The following is an entry in ClinVar:

NM_182700.6(SP8):c.487G>A (p.Gly163Ser)

Gene: SP8 (Sp8 transcription factor; minus strand). Cytogenetic location: 7p21.1.
Variant type: single nucleotide variant.
Coding change: c.487G>A on transcript NM_182700.6 (MANE Select); coding-DNA position 487, G replaced by A.
Protein change: p.Gly163Ser; replaces glycine 163 with serine.
Molecular consequence: missense variant.
Genome position (GRCh38, 1-based): chr7:20,785,330, C>T on the plus strand (G>A on the coding strand, the complement: SP8 is on the minus strand). VCF-style: chr7-20785330-C-T. GRCh37 (hg19) VCF-style: chr7-20824949-C-T.
Other names: c.433G>A, p.Gly145Ser (NM_198956.4); short protein forms G145S, G163S.
Identifiers: ClinVar variation 4997134 (VCV004997134.1).
Genomic context (GRCh38, chr7:20,785,330, plus strand): 5'-CCTTGGAGATGAACACCGGCTGGTGGGAGCCGTCCTGCGAGTGCGCGGAGGAGCCGCCGC[C>T]GCCGCCCCCGCCGCCGCCGCCGCTGCCCCCGGAAACTCCGGGGGCCTGGAAAACAGAGTA-3'
Protein context (NP_874359.2, residues 153-173): GGSGGGGGGG[Gly163Ser]GGSSAHSQDG

ClinVar aggregate classification (germline): Uncertain significance (1 of 4 stars; one submission).

Conditions:
SP8-related disorder. Also called: SP8-related condition.

gnomAD v4.1: 3 of 1,383,132 alleles (0.00022%); highest among the groups gnomAD compares: Admixed American, 0.0026%; no homozygotes.

Submission:

PreventionGenetics, part of Exact Sciences
Classification: Uncertain significance for SP8-related condition. Last evaluated: 2025-01-11. Review status: criteria provided, single submitter. Criteria: ACMG Guidelines, 2015. Collection method: clinical testing. Allele origin: germline.
Comment: The SP8 c.487G>A variant is predicted to result in the amino acid substitution p.Gly163Ser. To our knowledge, this variant has not been reported in the literature or in a large population database (gnomAD), indicating this variant is rare. At this time, the clinical significance of this variant is uncertain due to the absence of conclusive functional and genetic evidence.